The following is an entry in ClinVar:

NM_016222.4(DDX41):c.1333G>A (p.Val445Met)

Gene: DDX41 (DEAD-box helicase 41; minus strand). Cytogenetic location: 5q35.3.
Variant type: single nucleotide variant.
Coding change: c.1333G>A on transcript NM_016222.4 (MANE Select); coding-DNA position 1333, G replaced by A.
Protein change: p.Val445Met; replaces valine 445 with methionine.
Molecular consequence: missense variant.
Genome position (GRCh38, 1-based): chr5:177,512,846, C>T on the plus strand (G>A on the coding strand, the complement: DDX41 is on the minus strand). VCF-style: chr5-177512846-C-T. GRCh37 (hg19) VCF-style: chr5-176939847-C-T.
Other names: c.955G>A, p.Val319Met (NM_001321732.2, NM_001321830.2); short protein forms V445M, V319M.
Identifiers: ClinVar variation 4010327 (VCV004010327.1).

ClinVar aggregate classification (germline): Uncertain significance (1 of 4 stars; one submission).

Conditions:
Inborn genetic diseases. Identifiers: MedGen C0950123, MeSH D030342.

gnomAD v4.1: 8 of 1,614,060 alleles (0.0005%); highest among the groups gnomAD compares: Admixed American, 0.0017%; no homozygotes.

Submission:

Ambry Genetics
Classification: Uncertain significance for Inborn genetic diseases. Last evaluated: 2025-05-13. Review status: criteria provided, single submitter. Criteria: Ambry Variant Classification Scheme 2023. Collection method: clinical testing. Allele origin: germline.
Comment: The p.V445M variant (also known as c.1333G>A), located in coding exon 13 of the DDX41 gene, results from a G to A substitution at nucleotide position 1333. The valine at codon 445 is replaced by methionine, an amino acid with highly similar properties. This amino acid position is highly conserved in available vertebrate species. In addition, this alteration is predicted to be deleterious by in silico analysis. Based on the available evidence, the clinical significance of this variant remains unclear.